The following is an entry in ClinVar:

ClinVar aggregate classification (germline): Benign. Review status: criteria provided, multiple submitters, no conflicts (2 of 4 stars). 4 submissions from 4 submitters: Benign (3). 1 of the submissions does not count toward it. Last evaluated 2022-04-19.

Conditions:
Inborn genetic diseases. Identifiers: MedGen C0950123, MeSH D030342.
DCC-related disorder. Also called: DCC-related condition.

Allele frequency attached by ClinVar (database versions not stated): ExAC 0.00082; gnomAD 0.00266 and 0.00249; 1000 Genomes Project 30x 0.00406; gnomAD exomes 0.00027 and 0.00063; 1000 Genomes Project 0.00300; TOPMed 0.00305; ESP Exome Variant Server 0.00331.
gnomAD v4.1: 777 of 1,614,080 alleles (0.048%); highest among the groups gnomAD compares: African/African-American, 0.89%; 3 homozygotes.

Submissions (4):

Ambry Genetics
Classification: Benign for Inborn genetic diseases. Last evaluated: 2022-04-19. Review status: criteria provided, single submitter. Criteria: Ambry Variant Classification Scheme 2023. Collection method: clinical testing. Allele origin: germline.

Labcorp Genetics (formerly Invitae), Labcorp
Classification: Benign. Last evaluated: 2019-12-31. Review status: criteria provided, single submitter. Criteria: Invitae Variant Classification Sherloc (09022015). Collection method: clinical testing. Allele origin: germline.

Breakthrough Genomics
Classification: Benign. Review status: criteria provided, single submitter. Criteria: ACMG Guidelines, 2015. Collection method: not provided. Allele origin: germline. Inheritance: Autosomal recessive inheritance. Affected: yes.

PreventionGenetics, part of Exact Sciences
Classification: Benign for DCC-related condition. Last evaluated: 2019-02-21. Review status: no assertion criteria provided. Collection method: clinical testing. Allele origin: germline. Not counted in ClinVar's aggregate classification.
Comment: This variant is classified as benign based on ACMG/AMP sequence variant interpretation guidelines (Richards et al. 2015 PMID: 25741868, with internal and published modifications).

NM_005215.4(DCC):c.1457A>T (p.Gln486Leu)

Gene: DCC (DCC netrin 1 receptor; plus strand). Cytogenetic location: 18q21.2.
Variant type: single nucleotide variant.
Coding change: c.1457A>T on transcript NM_005215.4 (MANE Select); coding-DNA position 1457, A replaced by T.
Protein change: p.Gln486Leu; replaces glutamine 486 with leucine.
Molecular consequence: missense variant.
Genome position (GRCh38, 1-based): chr18:53,179,000, A>T. VCF-style: chr18-53179000-A-T. GRCh37 (hg19) VCF-style: chr18-50705370-A-T.
Other names: short protein forms Q486L.
Identifiers: ClinVar variation 786342 (VCV000786342.10), dbSNP rs116498325, ClinGen allele CA8966873.